The following is an entry in ClinVar:

NM_000111.3(SLC26A3):c.67dup (p.Glu23fs)

Gene: SLC26A3 (solute carrier family 26 member 3; minus strand). Cytogenetic location: 7q22.3.
Variant type: Duplication.
Coding change: c.67dup on transcript NM_000111.3 (MANE Select); coding-DNA position 67, one base duplicated (G; older notation c.67dupG).
Protein change: p.Glu23fs; shifts the reading frame from glutamic acid 23.
Molecular consequence: frameshift variant.
Genome position (GRCh38, 1-based): chr7:107,794,443, C duplicated on the plus strand (G on the coding strand, the reverse complement: SLC26A3 is on the minus strand); the first of 2 consecutive C bases (chr7:107,794,443-107,794,444); duplicating either gives the same sequence. VCF-style (leftmost placement, unchanged base first): chr7-107794442-T-TC. GRCh37 (hg19) VCF-style: chr7-107434887-T-TC.
Other names: short protein forms E23fs.
Identifiers: ClinVar variation 2709449 (VCV002709449.3), dbSNP rs2535478074, ClinGen allele CA2697557530.

ClinVar aggregate classification (germline): Pathogenic (1 of 4 stars; one submission).

Submission:

Labcorp Genetics (formerly Invitae), Labcorp
Classification: Pathogenic. Last evaluated: 2024-01-15. Review status: criteria provided, single submitter. Criteria: Invitae Variant Classification Sherloc (09022015). Collection method: clinical testing. Allele origin: germline.
Comment: This sequence change creates a premature translational stop signal (p.Glu23Glyfs*4) in the SLC26A3 gene. It is expected to result in an absent or disrupted protein product. Loss-of-function variants in SLC26A3 are known to be pathogenic (PMID: 9718329, 21394828). This variant is not present in population databases (gnomAD no frequency). This variant has not been reported in the literature in individuals affected with SLC26A3-related conditions. Algorithms developed to predict the effect of sequence changes on RNA splicing suggest that this variant may disrupt the consensus splice site. For these reasons, this variant has been classified as Pathogenic.

Literature cited by the submitters: PubMed 9718329; PubMed 21394828.